The following is an entry in ClinVar:

ClinVar aggregate classification (germline): Conflicting classifications of pathogenicity. Review status: criteria provided, conflicting classifications (1 of 4 stars). 4 submissions from 4 submitters: Uncertain significance (2); Likely benign (2). Last evaluated 2025-11-06.

Conditions:
Inborn genetic diseases. Identifiers: MedGen C0950123, MeSH D030342.
Early-infantile DEE. Also called: Ohtahara syndrome; Early infantile epileptic encephalopathy with suppression bursts; Early infantile epileptic encephalopathy. Identifiers: Orphanet 1934, MedGen C0393706, MONDO:0800491.

Allele frequency attached by ClinVar (database versions not stated): gnomAD exomes below 0.00001 and 0.00002; gnomAD 0.00001; TOPMed 0.00001; ExAC 0.00002; ESP Exome Variant Server 0.00015.
gnomAD v4.1: 5 of 1,614,092 alleles (0.00031%); highest among the groups gnomAD compares: African/African-American, 0.0013%; no homozygotes.

Submissions (4):

Ambry Genetics
Classification: Uncertain significance for Inborn genetic diseases. Last evaluated: 2025-11-06. Review status: criteria provided, single submitter. Criteria: Ambry Variant Classification Scheme 2023. Collection method: clinical testing. Allele origin: germline.

Women's Health and Genetics/Laboratory Corporation of America, LabCorp
Classification: Uncertain significance. Last evaluated: 2024-10-03. Review status: criteria provided, single submitter. Criteria: LabCorp Variant Classification Summary - May 2015. Collection method: clinical testing. Allele origin: germline.
Comment: Variant summary: SCN1A c.1928G>A (p.Ser643Asn) results in a conservative amino acid change located in the Voltage-gated Na+ ion channel, cytoplasmic domain (IPR024583) of the encoded protein sequence. Three of five in-silico tools predict a damaging effect of the variant on protein function. The variant allele was found at a frequency of 1.6e-05 in 251316 control chromosomes, predominantly at a frequency of 0.00012 within the African or African-American subpopulation in the gnomAD database. The available data on variant occurrences in the general population are insufficient to allow any conclusion about variant significance. To our knowledge, no occurrence of c.1928G>A in individuals affected with SCN1A-Related Seizure Disorder and no experimental evidence demonstrating its impact on protein function have been reported. ClinVar contains an entry for this variant (Variation ID: 1186442). Based on the evidence outlined above, the variant was classified as uncertain significance.

Labcorp Genetics (formerly Invitae), Labcorp
Classification: Likely benign for Early-infantile DEE. Last evaluated: 2024-02-07. Review status: criteria provided, single submitter. Criteria: Invitae Variant Classification Sherloc (09022015). Collection method: clinical testing. Allele origin: germline.

GeneDx
Classification: Likely benign. Last evaluated: 2020-01-24. Review status: criteria provided, single submitter. Criteria: GeneDx Variant Classification Process June 2021. Collection method: clinical testing. Allele origin: germline. Affected: yes.

NM_001165963.4(SCN1A):c.1928G>A (p.Ser643Asn)

Gene: SCN1A (sodium voltage-gated channel alpha subunit 1; minus strand). Cytogenetic location: 2q24.3.
Variant type: single nucleotide variant.
Coding change: c.1928G>A on transcript NM_001165963.4 (MANE Select); coding-DNA position 1928, G replaced by A.
Protein change: p.Ser643Asn; replaces serine 643 with asparagine.
Molecular consequence: missense variant. On other transcripts: 5 prime UTR variant (1), non-coding transcript variant (1).
Genome position (GRCh38, 1-based): chr2:166,043,784, C>T on the plus strand (G>A on the coding strand, the complement: SCN1A is on the minus strand). VCF-style: chr2-166043784-C-T. GRCh37 (hg19) VCF-style: chr2-166900294-C-T.
Other names: c.1928G>A, p.Ser643Asn (NM_001165964.3, NM_001202435.3, NM_001353948.2 and 7 more transcripts); c.1925G>A, p.Ser642Asn (NM_001353954.2, NM_001353955.2, NM_001353960.2); c.-498G>A (NM_001353961.2); short protein forms S642N, S643N.
Identifiers: ClinVar variation 1186442 (VCV001186442.9), dbSNP rs369178649, ClinGen allele CA1943230.